The following is an entry in ClinVar:

ClinVar aggregate classification (germline): Pathogenic (1 of 4 stars; one submission).

Conditions:
Cleidocranial dysostosis (CLCD1). Also called: cleidocranial dysplasia 1; Cleidocranial Dysplasia Spectrum Disorder; Marie-Sainton disease. Identifiers: Orphanet 1452, MedGen C0008928, MONDO:0007340, OMIM 119600.

Submission:

Institute of Human Genetics, University of Leipzig Medical Center
Classification: Pathogenic for Cleidocranial dysostosis. Last evaluated: 2022-10-13. Review status: criteria provided, single submitter. Criteria: ACMG Guidelines, 2015. Collection method: clinical testing. Allele origin: unknown. Affected: yes.
Comment: _x000D_ Criteria applied: PVS1, PS1_SUP, PM2_SUP, PP4

NM_001024630.4(RUNX2):c.424-1G>C

Gene: RUNX2 (RUNX family transcription factor 2; plus strand). Cytogenetic location: 6p21.1.
Variant type: single nucleotide variant.
Coding change: c.424-1G>C on transcript NM_001024630.4 (MANE Select); the canonical splice acceptor site of the intron before coding-DNA position 424, G replaced by C.
Molecular consequence: splice acceptor variant.
Genome position (GRCh38, 1-based): chr6:45,431,862, G>C. VCF-style: chr6-45431862-G-C. GRCh37 (hg19) VCF-style: chr6-45399599-G-C.
Other names: c.424-1G>C (NM_001015051.4); c.382-1G>C (NM_001369405.1, NM_001278478.2).
Identifiers: ClinVar variation 1712334 (VCV001712334.1), dbSNP rs2548589063, ClinGen allele CA363959731.